The following is an entry in ClinVar:

NM_000361.3(THBD):c.1613A>T (p.His538Leu)

Gene: THBD (thrombomodulin; minus strand). Cytogenetic location: 20p11.21.
Variant type: single nucleotide variant.
Coding change: c.1613A>T on transcript NM_000361.3 (MANE Select); coding-DNA position 1613, A replaced by T.
Protein change: p.His538Leu; replaces histidine 538 with leucine.
Molecular consequence: missense variant.
Genome position (GRCh38, 1-based): chr20:23,047,892, T>A on the plus strand (A>T on the coding strand, the complement: THBD is on the minus strand). VCF-style: chr20-23047892-T-A. GRCh37 (hg19) VCF-style: chr20-23028529-T-A.
Other names: short protein forms H538L.
Identifiers: ClinVar variation 3609715 (VCV003609715.2).

ClinVar aggregate classification (germline): Uncertain significance (1 of 4 stars; one submission).

gnomAD v4.1: 3 of 1,606,914 alleles (0.00019%); highest among the groups gnomAD compares: African/African-American, 0.0013%; no homozygotes.

Submission:

Labcorp Genetics (formerly Invitae), Labcorp
Classification: Uncertain significance. Last evaluated: 2024-06-06. Review status: criteria provided, single submitter. Criteria: Invitae Variant Classification Sherloc (09022015). Collection method: clinical testing. Allele origin: germline.
Comment: This sequence change replaces histidine, which is basic and polar, with leucine, which is neutral and non-polar, at codon 538 of the THBD protein (p.His538Leu). This variant is not present in population databases (gnomAD no frequency). This variant has not been reported in the literature in individuals affected with THBD-related conditions. Advanced modeling of protein sequence and biophysical properties (such as structural, functional, and spatial information, amino acid conservation, physicochemical variation, residue mobility, and thermodynamic stability) performed at Invitae indicates that this missense variant is not expected to disrupt THBD protein function with a negative predictive value of 80%. In summary, the available evidence is currently insufficient to determine the role of this variant in disease. Therefore, it has been classified as a Variant of Uncertain Significance.